The following is an entry in ClinVar:

NM_198578.4(LRRK2):c.515C>T (p.Ala172Val)

Gene: LRRK2 (leucine rich repeat kinase 2; plus strand). Cytogenetic location: 12q12.
Variant type: single nucleotide variant.
Coding change: c.515C>T on transcript NM_198578.4 (MANE Select); coding-DNA position 515, C replaced by T.
Protein change: p.Ala172Val; replaces alanine 172 with valine.
Molecular consequence: missense variant.
Genome position (GRCh38, 1-based): chr12:40,238,047, C>T. VCF-style: chr12-40238047-C-T. GRCh37 (hg19) VCF-style: chr12-40631849-C-T.
Other names: short protein forms A172V.
Identifiers: ClinVar variation 2567350 (VCV002567350.2), dbSNP rs2499419880, ClinGen allele CA384404083.

ClinVar aggregate classification (germline): Uncertain significance (1 of 4 stars; one submission).

Conditions:
Inborn genetic diseases. Identifiers: MedGen C0950123, MeSH D030342.

Submission:

Ambry Genetics
Classification: Uncertain significance for Inborn genetic diseases. Last evaluated: 2023-04-06. Review status: criteria provided, single submitter. Criteria: Ambry Variant Classification Scheme 2023. Collection method: clinical testing. Allele origin: germline.
Comment: The p.A172V variant (also known as c.515C>T), located in coding exon 5 of the LRRK2 gene, results from a C to T substitution at nucleotide position 515. The alanine at codon 172 is replaced by valine, an amino acid with similar properties. This amino acid position is conserved. In addition, this alteration is predicted to be tolerated by in silico analysis. Since supporting evidence is limited at this time, the clinical significance of this alteration remains unclear.